The following is an entry in ClinVar:

NM_000038.6(APC):c.4132C>G (p.Gln1378Glu)

Gene: APC (APC regulator of Wnt signaling pathway; plus strand). Cytogenetic location: 5q22.2.
Variant type: single nucleotide variant.
Coding change: c.4132C>G on transcript NM_000038.6 (MANE Select); coding-DNA position 4132, C replaced by G.
Protein change: p.Gln1378Glu; replaces glutamine 1378 with glutamic acid.
Molecular consequence: missense variant. On other transcripts: non-coding transcript variant (2).
Genome position (GRCh38, 1-based): chr5:112,839,726, C>G. VCF-style: chr5-112839726-C-G. GRCh37 (hg19) VCF-style: chr5-112175423-C-G.
Other names: c.4132C>G, p.Gln1378Glu (NM_001127510.3, NM_001354895.2, NM_001407450.1); c.4078C>G, p.Gln1360Glu (NM_001127511.3); c.4186C>G, p.Gln1396Glu (NM_001354896.2, NM_001407447.1, NM_001407448.1 and 1 more transcripts); c.4162C>G, p.Gln1388Glu (NM_001354897.2); c.4057C>G, p.Gln1353Glu (NM_001354898.2); c.4048C>G, p.Gln1350Glu (NM_001354899.2); c.4009C>G, p.Gln1337Glu (NM_001354900.2); c.3955C>G, p.Gln1319Glu (NM_001354901.2, NM_001407453.1); and 11 more; short protein forms Q1277E, Q1295E, Q1360E, Q1368E, Q1388E, Q1252E, Q1371E, Q1396E.
Identifiers: ClinVar variation 2775590 (VCV002775590.3), dbSNP rs121913329, ClinGen allele CA16030381.

ClinVar aggregate classification (germline): Uncertain significance (1 of 4 stars; one submission).

Conditions:
Familial adenomatous polyposis 1 (FAP1). Also called: FAMILIAL ADENOMATOUS POLYPOSIS 1, ATTENUATED; POLYPOSIS, ADENOMATOUS INTESTINAL. Identifiers: MedGen C2713442, MONDO:0021056, OMIM 175100. Disease mechanism: loss of function.

Submission:

Labcorp Genetics (formerly Invitae), Labcorp
Classification: Uncertain significance for Familial adenomatous polyposis 1. Last evaluated: 2023-08-17. Review status: criteria provided, single submitter. Criteria: Invitae Variant Classification Sherloc (09022015). Collection method: clinical testing. Allele origin: germline.
Comment: In summary, the available evidence is currently insufficient to determine the role of this variant in disease. Therefore, it has been classified as a Variant of Uncertain Significance. Advanced modeling of protein sequence and biophysical properties (such as structural, functional, and spatial information, amino acid conservation, physicochemical variation, residue mobility, and thermodynamic stability) performed at Invitae indicates that this missense variant is not expected to disrupt APC protein function. This variant has not been reported in the literature in individuals affected with APC-related conditions. This variant is not present in population databases (gnomAD no frequency). This sequence change replaces glutamine, which is neutral and polar, with glutamic acid, which is acidic and polar, at codon 1378 of the APC protein (p.Gln1378Glu).